The following is an entry in ClinVar:

NM_152866.3(MS4A1):c.863C>A (p.Ser288Tyr)

Gene: MS4A1 (membrane spanning 4-domains A1; plus strand). Cytogenetic location: 11q12.2.
Variant type: single nucleotide variant.
Coding change: c.863C>A on transcript NM_152866.3 (MANE Select); coding-DNA position 863, C replaced by A.
Protein change: p.Ser288Tyr; replaces serine 288 with tyrosine.
Molecular consequence: missense variant.
Genome position (GRCh38, 1-based): chr11:60,468,437, C>A. VCF-style: chr11-60468437-C-A. GRCh37 (hg19) VCF-style: chr11-60235910-C-A.
Other names: c.863C>A, p.Ser288Tyr (NM_021950.4, NM_152867.2); short protein forms S288Y.
Identifiers: ClinVar variation 4781875 (VCV004781875.1).

ClinVar aggregate classification (germline): Uncertain significance (1 of 4 stars; one submission).

Submission:

Labcorp Genetics (formerly Invitae), Labcorp
Classification: Uncertain significance. Last evaluated: 2025-08-11. Review status: criteria provided, single submitter. Criteria: Invitae Variant Classification Sherloc (09022015). Collection method: clinical testing. Allele origin: germline.
Comment: This sequence change replaces serine, which is neutral and polar, with tyrosine, which is neutral and polar, at codon 288 of the MS4A1 protein (p.Ser288Tyr). This variant is not present in population databases (gnomAD no frequency). This variant has not been reported in the literature in individuals affected with MS4A1-related conditions. An algorithm developed to predict the effect of missense changes on protein structure and function (PolyPhen-2) suggests that this variant is likely to be tolerated. In summary, the available evidence is currently insufficient to determine the role of this variant in disease. Therefore, it has been classified as a Variant of Uncertain Significance.